The following is an entry in ClinVar:

ClinVar aggregate classification (germline): Likely benign. Review status: criteria provided, multiple submitters, no conflicts (2 of 4 stars). 2 submissions from 2 submitters: Likely benign (2). Last evaluated 2018-01-13.

Conditions:
PGM1-congenital disorder of glycosylation. Also called: Congenital disorder of glycosylation type 1t; CDG It; PHOSPHOGLUCOMUTASE 1 DEFICIENCY; PGM1 DEFICIENCY; GLYCOGEN STORAGE DISEASE XIV; GSD XIV. Identifiers: Orphanet 319646, MedGen C2752015, MONDO:0013968, OMIM 614921.

Allele frequency attached by ClinVar (database versions not stated): 1000 Genomes Project 0.00739; 1000 Genomes Project 30x 0.00812; gnomAD 0.01291 and 0.01321; gnomAD exomes 0.01347; TOPMed 0.01365.
gnomAD v4.1: 3,590 of 271,808 alleles (1.3%); highest among the groups gnomAD compares: Non-Finnish European, 1.9%; 38 homozygotes.

Submissions (2):

Illumina Laboratory Services, Illumina
Classification: Likely benign for PGM1-congenital disorder of glycosylation. Last evaluated: 2018-01-13. Review status: criteria provided, single submitter. Criteria: ICSL Variant Classification Criteria 13 December 2019. Collection method: clinical testing. Allele origin: germline.
Comment: This variant was observed in the ICSL laboratory as part of a predisposition screen in an ostensibly healthy population. It had not been previously curated by ICSL or reported in the Human Gene Mutation Database (HGMD: prior to June 1st, 2018), and was therefore a candidate for classification through an automated scoring system. Utilizing variant allele frequency, disease prevalence and penetrance estimates, and inheritance mode, an automated score was calculated to assess if this variant is too frequent to cause the disease. Based on the score and internal cut-off values, a variant classified as likely benign is not then subjected to further curation. The score for this variant resulted in a classification of likely benign for this disease.

Breakthrough Genomics
Classification: Likely benign. Review status: criteria provided, single submitter. Criteria: ACMG Guidelines, 2015. Collection method: not provided. Allele origin: germline. Inheritance: Autosomal recessive inheritance. Affected: yes.

NM_002633.3(PGM1):c.*406T>C

Gene: PGM1 (phosphoglucomutase 1; plus strand). Cytogenetic location: 1p31.3.
Variant type: single nucleotide variant.
Coding change: c.*406T>C on transcript NM_002633.3 (MANE Select); 406 bases downstream of the stop codon, T replaced by C.
Molecular consequence: 3 prime UTR variant.
Genome position (GRCh38, 1-based): chr1:63,660,081, T>C. VCF-style: chr1-63660081-T-C. GRCh37 (hg19) VCF-style: chr1-64125752-T-C.
Other names: c.*406T>C (NM_001172818.1, NM_001172819.2).
Identifiers: ClinVar variation 873734 (VCV000873734.5), dbSNP rs11557104, ClinGen allele CA23843862.